The following is an entry in ClinVar:

NM_052989.3(IFT122):c.511C>T (p.Arg171Trp)

Gene: IFT122 (intraflagellar transport 122; plus strand). Cytogenetic location: 3q21.3.
Variant type: single nucleotide variant.
Coding change: c.511C>T on transcript NM_052989.3 (MANE Select); coding-DNA position 511, C replaced by T.
Protein change: p.Arg171Trp; replaces arginine 171 with tryptophan.
Molecular consequence: missense variant.
Genome position (GRCh38, 1-based): chr3:129,464,729, C>T. VCF-style: chr3-129464729-C-T. GRCh37 (hg19) VCF-style: chr3-129183572-C-T.
Other names: c.664C>T, p.Arg222Trp (NM_001280541.2, NM_052985.4); c.61C>T, p.Arg21Trp (NM_001280545.2, NM_001280546.2); c.511C>T, p.Arg171Trp (NM_018262.4); c.355C>T, p.Arg119Trp (NM_052990.3); short protein forms R222W, R171W, R21W, R119W.
Identifiers: ClinVar variation 419921 (VCV000419921.7), dbSNP rs1064794186, ClinGen allele CA16617824.

ClinVar aggregate classification (germline): Uncertain significance. Review status: criteria provided, multiple submitters, no conflicts (2 of 4 stars). 2 submissions from 2 submitters: Uncertain significance (2). Last evaluated 2025-08-15.

Conditions:
Cranioectodermal dysplasia 1 (CED1). Also called: LEVIN SYNDROME I. Identifiers: Orphanet 1515, MedGen C0432235, MONDO:0021093, OMIM 218330.

Allele frequency attached by ClinVar (database versions not stated): gnomAD 0.00001 and 0.00002; gnomAD exomes 0.00001; TOPMed 0.00002.
gnomAD v4.1: 12 of 1,613,912 alleles (0.00074%); highest among the groups gnomAD compares: Admixed American, 0.0033%; no homozygotes.

Submissions (2):

GeneDx
Classification: Uncertain significance. Last evaluated: 2025-08-15. Review status: criteria provided, single submitter. Criteria: GeneDx Variant Classification Process June 2021. Collection method: clinical testing. Allele origin: germline. Affected: yes.
Comment: In silico analysis supports that this missense variant has a deleterious effect on protein structure/function; Has not been previously published as pathogenic or benign to our knowledge

Fulgent Genetics
Classification: Uncertain significance for Cranioectodermal dysplasia 1. Last evaluated: 2024-02-12. Review status: criteria provided, single submitter. Criteria: ACMG Guidelines, 2015. Collection method: clinical testing. Allele origin: germline.